The following is an entry in ClinVar:

NM_001097577.3(ANG):c.*139A>G

Genes: ANG (angiogenin; plus strand), EGILA (EGFR interacting lncRNA; minus strand), RNASE4 (ribonuclease A family member 4; plus strand). Cytogenetic location: 14q11.2.
Variant type: single nucleotide variant.
Coding change: c.*139A>G on transcript NM_001097577.3 (MANE Select); 139 bases downstream of the stop codon, A replaced by G.
Molecular consequence: 3 prime UTR variant. On other transcripts: intron variant (4).
Genome position (GRCh38, 1-based): chr14:20,694,147, A>G. VCF-style: chr14-20694147-A-G. GRCh37 (hg19) VCF-style: chr14-21162306-A-G.
Other names: c.*139A>G (NM_001145.4, NM_001385271.1, NM_001385272.1 and 2 more transcripts); c.-18+497A>G (NM_001282192.2); c.-17-5208A>G (NM_002937.5, NM_001282193.2, NM_194431.3).
Identifiers: ClinVar variation 881316 (VCV000881316.4), dbSNP rs542458460, ClinGen allele CA257419162.
Genomic context (GRCh38, chr14:20,694,147, plus strand): 5'-ACATTCATTGCCAAGGGCCCAAAGAAAGAGCTACCTGGACCTTTTGTTTTCTGTTTGACA[A>G]CATGTTTAATAAATAAAAATGTCTTGATATCAGTAAGAATCAGAGTCTTCTCACTGATTC-3'

ClinVar aggregate classification (germline): Likely benign (1 of 4 stars; one submission).

Conditions:
Amyotrophic lateral sclerosis type 9 (ALS9). Identifiers: Orphanet 803, MedGen C2678468, MONDO:0012753, OMIM 611895.

Allele frequency attached by ClinVar (database versions not stated): gnomAD exomes 0.00010; 1000 Genomes Project 0.00100; gnomAD 0.00101 and 0.00108; 1000 Genomes Project 30x 0.00125; TOPMed 0.00130.
gnomAD v4.1: 228 of 894,434 alleles (0.025%); highest among the groups gnomAD compares: African/African-American, 0.35%; 3 homozygotes.

Submission:

Illumina Laboratory Services, Illumina
Classification: Likely benign for Amyotrophic lateral sclerosis type 9. Last evaluated: 2018-01-13. Review status: criteria provided, single submitter. Criteria: ICSL Variant Classification Criteria 13 December 2019. Collection method: clinical testing. Allele origin: germline.
Comment: This variant was observed in the ICSL laboratory as part of a predisposition screen in an ostensibly healthy population. It had not been previously curated by ICSL or reported in the Human Gene Mutation Database (HGMD: prior to June 1st, 2018), and was therefore a candidate for classification through an automated scoring system. Utilizing variant allele frequency, disease prevalence and penetrance estimates, and inheritance mode, an automated score was calculated to assess if this variant is too frequent to cause the disease. Based on the score and internal cut-off values, a variant classified as likely benign is not then subjected to further curation. The score for this variant resulted in a classification of likely benign for this disease.